The following is an entry in ClinVar:

ClinVar aggregate classification (germline): Uncertain significance (1 of 4 stars; one submission).

Allele frequency attached by ClinVar (database versions not stated): TOPMed below 0.00001; gnomAD 0.00001.
gnomAD v4.1: 1 of 1,614,018 alleles (0.000062%); highest among the groups gnomAD compares: Non-Finnish European, 0.000085%; no homozygotes.

Submission:

GeneDx
Classification: Uncertain significance. Last evaluated: 2023-12-15. Review status: criteria provided, single submitter. Criteria: GeneDx Variant Classification Process June 2021. Collection method: clinical testing. Allele origin: germline. Affected: yes.
Comment: Not observed in large population cohorts (gnomAD); In silico analysis supports that this missense variant has a deleterious effect on protein structure/function; In addition, in silico splice predictors suggest this variant may lead to abnormal gene splicing; Has not been previously published as pathogenic or benign to our knowledge

NM_001349338.3(FOXP1):c.1297G>A (p.Gly433Arg)

Gene: FOXP1 (forkhead box P1; minus strand). Cytogenetic location: 3p13.
Variant type: single nucleotide variant.
Coding change: c.1297G>A on transcript NM_001349338.3 (MANE Select); coding-DNA position 1297, G replaced by A.
Protein change: p.Gly433Arg; replaces glycine 433 with arginine.
Molecular consequence: missense variant. On other transcripts: non-coding transcript variant (2).
Genome position (GRCh38, 1-based): chr3:70,977,879, C>T on the plus strand (G>A on the coding strand, the complement: FOXP1 is on the minus strand). VCF-style: chr3-70977879-C-T. GRCh37 (hg19) VCF-style: chr3-71027030-C-T.
Other names: c.1297G>A, p.Gly433Arg (NM_001244808.3, NM_001244810.2, NM_001244814.3 and 3 more transcripts); c.1069G>A, p.Gly357Arg (NM_001244812.3); c.997G>A, p.Gly333Arg (NM_001244813.3, NM_001244815.2, NM_001349342.3 and 1 more transcripts); c.994G>A, p.Gly332Arg (NM_001349337.2, NM_001349343.3, NM_001349344.3); c.1294G>A, p.Gly432Arg (NM_001349341.3); short protein forms G332R, G333R, G357R, G432R, G433R.
Identifiers: ClinVar variation 1303872 (VCV001303872.3), dbSNP rs1468570529, ClinGen allele CA353493496.